The following is an entry in ClinVar:

NM_001377405.1(ATXN7):c.500-8G>A

Gene: ATXN7 (ataxin 7; plus strand). Cytogenetic location: 3p14.1.
Variant type: single nucleotide variant.
Coding change: c.500-8G>A on transcript NM_001377405.1 (MANE Select); 8 bases into the intron before coding-DNA position 500, G replaced by A.
Molecular consequence: intron variant.
Genome position (GRCh38, 1-based): chr3:63,979,907, G>A. VCF-style: chr3-63979907-G-A. GRCh37 (hg19) VCF-style: chr3-63965583-G-A.
Other names: NC_000003.11:g.63965583G>A; c.500-8G>A (NM_000333.4, NM_001177387.1, NM_001377406.1); c.65-8G>A (NM_001128149.3).
Identifiers: ClinVar variation 2653942 (VCV002653942.25), dbSNP rs56015875, ClinGen allele CA2478318.

ClinVar aggregate classification (germline): Likely benign (1 of 4 stars; one submission).

Allele frequency attached by ClinVar (database versions not stated): 1000 Genomes Project 30x 0.00219; 1000 Genomes Project 0.00220; TOPMed 0.00470; ESP Exome Variant Server 0.00652; gnomAD exomes 0.00794; ExAC 0.00801.
gnomAD v4.1: 12,313 of 1,611,046 alleles (0.76%); highest among the groups gnomAD compares: Non-Finnish European, 0.93%; 70 homozygotes.

Submissions (5):

CeGaT Center for Human Genetics Tuebingen
Classification: Likely benign. Last evaluated: 2026-04-01. Review status: criteria provided, single submitter. Criteria: CeGaT Center For Human Genetics Tuebingen Variant Classification Criteria Version 2. Collection method: clinical testing. Allele origin: germline. Affected: yes. Observed: 6 variant alleles.
Comment: ATXN7: BP4, BS2

Dr. Peter K. Rogan Lab, Western University
No classification provided (evidence only). Condition: Acute myeloid leukemia. Review status: no classification provided. Collection method: in vitro. Allele origin: not applicable. Functional consequence: retained intron. Not counted in ClinVar's aggregate classification.

Dr. Peter K. Rogan Lab, Western University
No classification provided (evidence only). Condition: Sarcoma. Review status: no classification provided. Collection method: in vitro. Allele origin: not applicable. Functional consequence: retained intron. Not counted in ClinVar's aggregate classification.

Dr. Peter K. Rogan Lab, Western University
No classification provided (evidence only). Condition: Sarcoma. Review status: no classification provided. Collection method: in vitro. Allele origin: not applicable. Functional consequence: retained intron. Not counted in ClinVar's aggregate classification.

Dr. Peter K. Rogan Lab, Western University
No classification provided (evidence only). Condition: Malignant tumor of esophagus. Review status: no classification provided. Collection method: in vitro. Allele origin: not applicable. Functional consequence: retained intron. Not counted in ClinVar's aggregate classification.